The following is an entry in ClinVar:

ClinVar aggregate classification (germline): Uncertain significance (1 of 4 stars; one submission).

Allele frequency attached by ClinVar (database versions not stated): gnomAD 0.00001; TOPMed 0.00001; gnomAD exomes 0.00004; ExAC 0.00023.
gnomAD v4.1: 54 of 1,582,216 alleles (0.0034%); highest among the groups gnomAD compares: South Asian, 0.049%; 1 homozygote.

Submission:

Labcorp Genetics (formerly Invitae), Labcorp
Classification: Uncertain significance. Last evaluated: 2025-12-24. Review status: criteria provided, single submitter. Criteria: Invitae Variant Classification Sherloc (09022015). Collection method: clinical testing. Allele origin: germline.
Comment: This sequence change replaces glycine, which is neutral and non-polar, with serine, which is neutral and polar, at codon 60 of the LEMD3 protein (p.Gly60Ser). This variant is present in population databases (rs775574495, gnomAD 0.05%), and has an allele count higher than expected for a pathogenic variant. This variant has not been reported in the literature in individuals affected with LEMD3-related conditions. ClinVar contains an entry for this variant (Variation ID: 2182934). An algorithm developed to predict the effect of missense changes on protein structure and function outputs the following: PolyPhen-2: "Benign". The serine amino acid residue is found in multiple mammalian species, which suggests that this missense change does not adversely affect protein function. In summary, the available evidence is currently insufficient to determine the role of this variant in disease. Therefore, it has been classified as a Variant of Uncertain Significance.

NM_014319.5(LEMD3):c.178G>A (p.Gly60Ser)

Gene: LEMD3 (LEM domain containing 3; plus strand). Cytogenetic location: 12q14.3.
Variant type: single nucleotide variant.
Coding change: c.178G>A on transcript NM_014319.5 (MANE Select); coding-DNA position 178, G replaced by A.
Protein change: p.Gly60Ser; replaces glycine 60 with serine.
Molecular consequence: missense variant.
Genome position (GRCh38, 1-based): chr12:65,169,774, G>A. VCF-style: chr12-65169774-G-A. GRCh37 (hg19) VCF-style: chr12-65563554-G-A.
Other names: c.178G>A, p.Gly60Ser (NM_001167614.2); short protein forms G60S.
Identifiers: ClinVar variation 2182934 (VCV002182934.4), dbSNP rs775574495, ClinGen allele CA6670687.